The following is an entry in ClinVar:

ClinVar aggregate classification (germline): Uncertain significance (1 of 4 stars; one submission).

Conditions:
RYR1-related disorder. Also called: RYR1-related condition; RYR1-related disorders. Identifiers: MedGen CN239331.

Submission:

Labcorp Genetics (formerly Invitae), Labcorp
Classification: Uncertain significance for RYR1-related disorder. Last evaluated: 2023-06-10. Review status: criteria provided, single submitter. Criteria: Invitae Variant Classification Sherloc (09022015). Collection method: clinical testing. Allele origin: germline.
Comment: In summary, the available evidence is currently insufficient to determine the role of this variant in disease. Therefore, it has been classified as a Variant of Uncertain Significance. Advanced modeling of protein sequence and biophysical properties (such as structural, functional, and spatial information, amino acid conservation, physicochemical variation, residue mobility, and thermodynamic stability) has been performed at Invitae for this missense variant, however the output from this modeling did not meet the statistical confidence thresholds required to predict the impact of this variant on RYR1 protein function. This variant has not been reported in the literature in individuals affected with RYR1-related conditions. This variant is not present in population databases (gnomAD no frequency). This sequence change replaces valine, which is neutral and non-polar, with alanine, which is neutral and non-polar, at codon 4821 of the RYR1 protein (p.Val4821Ala).

NM_000540.3(RYR1):c.14462T>C (p.Val4821Ala)

Gene: RYR1 (ryanodine receptor 1; plus strand). Cytogenetic location: 19q13.2.
Variant type: single nucleotide variant.
Coding change: c.14462T>C on transcript NM_000540.3 (MANE Select); coding-DNA position 14462, T replaced by C.
Protein change: p.Val4821Ala; replaces valine 4821 with alanine.
Molecular consequence: missense variant.
Genome position (GRCh38, 1-based): chr19:38,580,079, T>C. VCF-style: chr19-38580079-T-C. GRCh37 (hg19) VCF-style: chr19-39070719-T-C.
Other names: c.14447T>C, p.Val4816Ala (NM_001042723.2); short protein forms V4821A, V4816A.
Identifiers: ClinVar variation 2706549 (VCV002706549.3), dbSNP rs2514749109, ClinGen allele CA405687250.